The following is an entry in ClinVar:

NM_016507.4(CDK12):c.2499G>C (p.Glu833Asp)

Gene: CDK12 (cyclin dependent kinase 12; plus strand). Cytogenetic location: 17q12.
Variant type: single nucleotide variant.
Coding change: c.2499G>C on transcript NM_016507.4 (MANE Select); coding-DNA position 2499, G replaced by C.
Protein change: p.Glu833Asp; replaces glutamic acid 833 with aspartic acid.
Molecular consequence: missense variant.
Genome position (GRCh38, 1-based): chr17:39,501,329, G>C. VCF-style: chr17-39501329-G-C. GRCh37 (hg19) VCF-style: chr17-37657582-G-C.
Other names: c.2499G>C, p.Glu833Asp (NM_015083.4); short protein forms E833D.
Identifiers: ClinVar variation 3830746 (VCV003830746.1).

ClinVar aggregate classification (germline): Uncertain significance (1 of 4 stars; one submission).

gnomAD v4.1: 7 of 1,613,360 alleles (0.00043%); highest among the groups gnomAD compares: Non-Finnish European, 0.00059%; no homozygotes.

Submission:

Ambry Genetics
Classification: Uncertain significance. Last evaluated: 2025-03-04. Review status: criteria provided, single submitter. Criteria: Ambry Variant Classification Scheme 2023. Collection method: clinical testing. Allele origin: germline.
Comment: The p.E833D variant (also known as c.2499G>C), located in coding exon 6 of the CDK12 gene, results from a G to C substitution at nucleotide position 2499. The glutamic acid at codon 833 is replaced by aspartic acid, an amino acid with highly similar properties. This amino acid position is conserved. In addition, the in silico prediction for this alteration is inconclusive. Based on the available evidence, the clinical significance of this variant remains unclear.